The following is an entry in ClinVar:

ClinVar aggregate classification (germline): Uncertain significance (1 of 4 stars; one submission).

Conditions:
Hereditary cancer-predisposing syndrome. Also called: Neoplastic Syndromes, Hereditary; Tumor predisposition; Hereditary neoplastic syndrome; Hereditary Cancer Syndrome. Identifiers: Orphanet 140162, MedGen C0027672, MeSH D009386, MONDO:0015356.

gnomAD v4.1: 1 of 1,601,878 alleles (0.000062%); highest among the groups gnomAD compares: Non-Finnish European, 0.000085%; no homozygotes.

Submission:

Ambry Genetics
Classification: Uncertain significance for Hereditary cancer-predisposing syndrome. Last evaluated: 2026-07-06. Review status: criteria provided, single submitter. Criteria: Ambry Variant Classification Scheme 2023. Collection method: clinical testing. Allele origin: germline.
Comment: The p.M495R variant (also known as c.1484T>G), located in coding exon 16 of the RB1 gene, results from a T to G substitution at nucleotide position 1484. The methionine at codon 495 is replaced by arginine, an amino acid with similar properties. This amino acid position is conserved. In addition, this alteration is predicted to be deleterious by in silico analysis. Based on the available evidence, the clinical significance of this variant remains unclear.

NM_000321.3(RB1):c.1484T>G (p.Met495Arg)

Gene: RB1 (RB transcriptional corepressor 1; plus strand). Cytogenetic location: 13q14.2.
Variant type: single nucleotide variant.
Coding change: c.1484T>G on transcript NM_000321.3 (MANE Select); coding-DNA position 1484, T replaced by G.
Protein change: p.Met495Arg; replaces methionine 495 with arginine.
Molecular consequence: missense variant.
Genome position (GRCh38, 1-based): chr13:48,380,227, T>G. VCF-style: chr13-48380227-T-G. GRCh37 (hg19) VCF-style: chr13-48954363-T-G.
Other names: c.1484T>G, p.Met495Arg (NM_001407165.1, NM_001407166.1); short protein forms M495R.
Identifiers: ClinVar variation 5027929 (VCV005027929.1).